The following is an entry in ClinVar:

NM_005560.6(LAMA5):c.1421C>T (p.Thr474Met)

Gene: LAMA5 (laminin subunit alpha 5; minus strand). Cytogenetic location: 20q13.33.
Variant type: single nucleotide variant.
Coding change: c.1421C>T on transcript NM_005560.6 (MANE Select); coding-DNA position 1421, C replaced by T.
Protein change: p.Thr474Met; replaces threonine 474 with methionine.
Molecular consequence: missense variant.
Genome position (GRCh38, 1-based): chr20:62,345,874, G>A on the plus strand (C>T on the coding strand, the complement: LAMA5 is on the minus strand). VCF-style: chr20-62345874-G-A. GRCh37 (hg19) VCF-style: chr20-60920930-G-A.
Other names: c.1421C>T (NM_005560.4); short protein forms T474M.
Identifiers: ClinVar variation 2045159 (VCV002045159.6), dbSNP rs112470442, ClinGen allele CA9943936.

ClinVar aggregate classification (germline): Likely benign. Review status: criteria provided, single submitter (1 of 4 stars). 2 submissions from 2 submitters: Likely benign (1). 1 of the submissions does not count toward it. Last evaluated 2025-10-23.

Conditions:
LAMA5-related disorder. Also called: LAMA5-Related Disorders; LAMA5-related condition.

Allele frequency attached by ClinVar (database versions not stated): gnomAD exomes 0.00013; ExAC 0.00042; 1000 Genomes Project 0.00060; 1000 Genomes Project 30x 0.00078; ESP Exome Variant Server 0.00117; gnomAD 0.00127; TOPMed 0.00139.
gnomAD v4.1: 418 of 1,553,672 alleles (0.027%); highest among the groups gnomAD compares: African/African-American, 0.43%; 1 homozygote.

Submissions (2):

Labcorp Genetics (formerly Invitae), Labcorp
Classification: Likely benign. Last evaluated: 2025-10-23. Review status: criteria provided, single submitter. Criteria: Invitae Variant Classification Sherloc (09022015). Collection method: clinical testing. Allele origin: germline.

PreventionGenetics, part of Exact Sciences
Classification: Likely benign for LAMA5-related condition. Last evaluated: 2021-01-04. Review status: no assertion criteria provided. Collection method: clinical testing. Allele origin: germline. Not counted in ClinVar's aggregate classification.
Comment: This variant is classified as likely benign based on ACMG/AMP sequence variant interpretation guidelines (Richards et al. 2015 PMID: 25741868, with internal and published modifications).